The following is an entry in ClinVar:

NM_001365088.1(SLC12A6):c.3311T>C (p.Val1104Ala)

Gene: SLC12A6 (solute carrier family 12 member 6; minus strand). Cytogenetic location: 15q14.
Variant type: single nucleotide variant.
Coding change: c.3311T>C on transcript NM_001365088.1 (MANE Select); coding-DNA position 3311, T replaced by C.
Protein change: p.Val1104Ala; replaces valine 1104 with alanine.
Molecular consequence: missense variant.
Genome position (GRCh38, 1-based): chr15:34,235,231, A>G on the plus strand (T>C on the coding strand, the complement: SLC12A6 is on the minus strand). VCF-style: chr15-34235231-A-G. GRCh37 (hg19) VCF-style: chr15-34527432-A-G.
Other names: c.3134T>C, p.Val1045Ala (NM_001042494.2, NM_001042495.2); c.3284T>C, p.Val1095Ala (NM_001042496.2); c.3266T>C, p.Val1089Ala (NM_001042497.2); c.3158T>C, p.Val1053Ala (NM_005135.2); c.3311T>C, p.Val1104Ala (NM_133647.2); short protein forms V1053A, V1095A, V1045A, V1104A, V1089A.
Identifiers: ClinVar variation 2180823 (VCV002180823.4), dbSNP rs2509739406, ClinGen allele CA391617168.

ClinVar aggregate classification (germline): Uncertain significance (1 of 4 stars; one submission).

Allele frequency attached by ClinVar (database versions not stated): gnomAD exomes below 0.00001.
gnomAD v4.1: 1 of 1,613,860 alleles (0.000062%); no homozygotes.

Submission:

Labcorp Genetics (formerly Invitae), Labcorp
Classification: Uncertain significance. Last evaluated: 2022-05-04. Review status: criteria provided, single submitter. Criteria: Invitae Variant Classification Sherloc (09022015). Collection method: clinical testing. Allele origin: germline.
Comment: In summary, the available evidence is currently insufficient to determine the role of this variant in disease. Therefore, it has been classified as a Variant of Uncertain Significance. Algorithms developed to predict the effect of missense changes on protein structure and function are either unavailable or do not agree on the potential impact of this missense change (SIFT: "Deleterious"; PolyPhen-2: "Benign"; Align-GVGD: "Class C0"). This variant has not been reported in the literature in individuals affected with SLC12A6-related conditions. This variant is not present in population databases (gnomAD no frequency). This sequence change replaces valine, which is neutral and non-polar, with alanine, which is neutral and non-polar, at codon 1104 of the SLC12A6 protein (p.Val1104Ala).